The following is an entry in ClinVar:

NM_018993.4(RIN2):c.159-1G>T

Gene: RIN2 (Ras and Rab interactor 2; plus strand). Cytogenetic location: 20p11.23.
Variant type: single nucleotide variant.
Coding change: c.159-1G>T on transcript NM_018993.4 (MANE Select); the canonical splice acceptor site of the intron before coding-DNA position 159, G replaced by T.
Molecular consequence: splice acceptor variant.
Genome position (GRCh38, 1-based): chr20:19,956,614, G>T. VCF-style: chr20-19956614-G-T. GRCh37 (hg19) VCF-style: chr20-19937258-G-T.
Other names: c.-387-1G>T (NM_001378238.1); c.306-1G>T (NM_001242581.2).
Identifiers: ClinVar variation 5018864 (VCV005018864.2).

ClinVar aggregate classification (germline): Likely pathogenic (1 of 4 stars; one submission).

Conditions:
RIN2 syndrome. Also called: TALL FOREHEAD, SPARSE HAIR, SKIN HYPEREXTENSIBILITY, AND SCOLIOSIS; MACS SYNDROME. Identifiers: Orphanet 217335, MedGen C2751321, MONDO:0013115, OMIM 613075.

Submission:

Juno Genomics, Hangzhou Juno Genomics, Inc
Classification: Likely pathogenic for RIN2 syndrome. Review status: criteria provided, single submitter. Criteria: ACMG Guidelines, 2015. Collection method: clinical testing. Allele origin: germline.
Comment: Absent from controls (or at extremely low frequency if recessive) in Genome Aggregation Database.;Null variant in a gene where loss of function (LOF) is a known mechanism of disease.